The following is an entry in ClinVar:

ClinVar aggregate classification (germline): Pathogenic (1 of 4 stars; one submission).

Conditions:
Nephronophthisis. Also called: Juvenile Nephronophthisis. Identifiers: Orphanet 655, MedGen C0687120, MONDO:0019005, HP:0000090.

Submission:

Labcorp Genetics (formerly Invitae), Labcorp
Classification: Pathogenic for Nephronophthisis. Last evaluated: 2021-09-09. Review status: criteria provided, single submitter. Criteria: Invitae Variant Classification Sherloc (09022015). Collection method: clinical testing. Allele origin: germline.
Comment: For these reasons, this variant has been classified as Pathogenic. This variant has not been reported in the literature in individuals affected with NPHP1-related conditions. This variant is not present in population databases (ExAC no frequency). This sequence change creates a premature translational stop signal (p.Gln338*) in the NPHP1 gene. It is expected to result in an absent or disrupted protein product. Loss-of-function variants in NPHP1 are known to be pathogenic (PMID: 23559409).

Literature cited by the submitters: PubMed 23559409.

NM_001128178.3(NPHP1):c.844C>T (p.Gln282Ter)

Gene: NPHP1 (nephrocystin 1; minus strand). Cytogenetic location: 2q13.
Variant type: single nucleotide variant.
Coding change: c.844C>T on transcript NM_001128178.3 (MANE Select); coding-DNA position 844, C replaced by T.
Protein change: p.Gln282Ter; replaces glutamine 282 with a stop codon.
Molecular consequence: nonsense.
Genome position (GRCh38, 1-based): chr2:110,163,063, G>A on the plus strand (C>T on the coding strand, the complement: NPHP1 is on the minus strand). VCF-style: chr2-110163063-G-A. GRCh37 (hg19) VCF-style: chr2-110920640-G-A.
Other names: c.1012C>T, p.Gln338Ter (NM_000272.5); c.655C>T, p.Gln219Ter (NM_001128179.3); c.841C>T, p.Gln281Ter (NM_001374256.1); c.844C>T, p.Gln282Ter (NM_001374257.1); c.1009C>T, p.Gln337Ter (NM_207181.4); short protein forms Q337*, Q281*, Q219*, Q282*, Q338*.
Identifiers: ClinVar variation 1451354 (VCV001451354.6), dbSNP rs1328879943, ClinGen allele CA348090599.